The following is an entry in ClinVar:

ClinVar aggregate classification (germline): Uncertain significance. Review status: criteria provided, multiple submitters, no conflicts (2 of 4 stars). 2 submissions from 2 submitters: Uncertain significance (2). Last evaluated 2024-12-23.

Conditions:
Inborn genetic diseases. Identifiers: MedGen C0950123, MeSH D030342.

Submissions (2):

Labcorp Genetics (formerly Invitae), Labcorp
Classification: Uncertain significance. Last evaluated: 2024-12-23. Review status: criteria provided, single submitter. Criteria: Invitae Variant Classification Sherloc (09022015). Collection method: clinical testing. Allele origin: germline.
Comment: This sequence change replaces histidine, which is basic and polar, with tyrosine, which is neutral and polar, at codon 371 of the TOPORS protein (p.His371Tyr). This variant is present in population databases (rs193093130, gnomAD 0.003%). This variant has not been reported in the literature in individuals affected with TOPORS-related conditions. An algorithm developed to predict the effect of missense changes on protein structure and function (PolyPhen-2) suggests that this variant is likely to be disruptive. In summary, the available evidence is currently insufficient to determine the role of this variant in disease. Therefore, it has been classified as a Variant of Uncertain Significance.

Ambry Genetics
Classification: Uncertain significance for Inborn genetic diseases. Last evaluated: 2024-08-20. Review status: criteria provided, single submitter. Criteria: Ambry Variant Classification Scheme 2023. Collection method: clinical testing. Allele origin: germline.

NM_005802.5(TOPORS):c.1111C>T (p.His371Tyr)

Gene: TOPORS (TOP1 binding arginine/serine rich protein, E3 ubiquitin ligase; minus strand). Cytogenetic location: 9p21.1.
Variant type: single nucleotide variant.
Coding change: c.1111C>T on transcript NM_005802.5 (MANE Select); coding-DNA position 1111, C replaced by T.
Protein change: p.His371Tyr; replaces histidine 371 with tyrosine.
Molecular consequence: missense variant.
Genome position (GRCh38, 1-based): chr9:32,543,414, G>A on the plus strand (C>T on the coding strand, the complement: TOPORS is on the minus strand). VCF-style: chr9-32543414-G-A. GRCh37 (hg19) VCF-style: chr9-32543412-G-A.
Other names: c.916C>T, p.His306Tyr (NM_001195622.2); short protein forms H306Y, H371Y.
Identifiers: ClinVar variation 3460208 (VCV003460208.3).